The following is an entry in ClinVar:

NM_001830.4(CLCN4):c.577T>G (p.Phe193Val)

Gene: CLCN4 (chloride voltage-gated channel 4; plus strand). Cytogenetic location: Xp22.2.
Variant type: single nucleotide variant.
Coding change: c.577T>G on transcript NM_001830.4 (MANE Select); coding-DNA position 577, T replaced by G.
Protein change: p.Phe193Val; replaces phenylalanine 193 with valine.
Molecular consequence: missense variant.
Genome position (GRCh38, 1-based): chrX:10,206,379, T>G. VCF-style: chrX-10206379-T-G. GRCh37 (hg19) VCF-style: chrX-10174419-T-G.
Other names: c.295T>G, p.Phe99Val (NM_001256944.2); short protein forms F193V, F99V.
Identifiers: ClinVar variation 2663536 (VCV002663536.1), dbSNP rs2518884229, ClinGen allele CA412036316.

ClinVar aggregate classification (germline): Uncertain significance (1 of 4 stars; one submission).

Submission:

GeneDx
Classification: Uncertain significance. Last evaluated: 2023-09-27. Review status: criteria provided, single submitter. Criteria: GeneDx Variant Classification Process June 2021. Collection method: clinical testing. Allele origin: germline. Affected: yes.
Comment: Not observed at significant frequency in large population cohorts (gnomAD); In silico analysis supports that this missense variant has a deleterious effect on protein structure/function; Has not been previously published as pathogenic or benign to our knowledge